The following is an entry in ClinVar:

NM_001458.5(FLNC):c.3699del (p.Val1235fs)

Gene: FLNC (filamin C; plus strand). Cytogenetic location: 7q32.1.
Variant type: Deletion.
Coding change: c.3699del on transcript NM_001458.5 (MANE Select); coding-DNA position 3699, one base deleted (T; older notation c.3699delT).
Protein change: p.Val1235fs; shifts the reading frame from valine 1235.
Molecular consequence: frameshift variant.
Genome position (GRCh38, 1-based): chr7:128,845,164, T deleted. VCF-style (leftmost placement, unchanged base first): chr7-128845163-AT-A. GRCh37 (hg19) VCF-style: chr7-128485217-AT-A.
Other names: c.3699del, p.Val1235fs (NM_001127487.2); short protein forms V1235fs.
Identifiers: ClinVar variation 834916 (VCV000834916.8), dbSNP rs1808508148, ClinGen allele CA916082320.

ClinVar aggregate classification (germline): Pathogenic (1 of 4 stars; one submission).

Conditions:
Myofibrillar myopathy 5. Also called: FILAMINOPATHY, AUTOSOMAL DOMINANT; Filaminopathy (type). Identifiers: Orphanet 171445, MedGen C1836050, MONDO:0012289, OMIM 609524.
Distal myopathy with posterior leg and anterior hand involvement. Also called: WILLIAMS DISTAL MYOPATHY. Identifiers: Orphanet 63273, MedGen C3279722, MONDO:0013550, OMIM 614065.
Hypertrophic cardiomyopathy 26. Also called: Cardiomyopathy, familial hypertrophic, 26. Identifiers: Orphanet 75249, MedGen C4310749, MONDO:0014883, OMIM 617047.

Submission:

Labcorp Genetics (formerly Invitae), Labcorp
Classification: Pathogenic for Distal myopathy with posterior leg and anterior hand involvement; Myofibrillar myopathy 5; Hypertrophic cardiomyopathy 26. Last evaluated: 2022-07-21. Review status: criteria provided, single submitter. Criteria: Invitae Variant Classification Sherloc (09022015). Collection method: clinical testing. Allele origin: germline.
Comment: For these reasons, this variant has been classified as Pathogenic. ClinVar contains an entry for this variant (Variation ID: 834916). This variant has not been reported in the literature in individuals affected with FLNC-related conditions. This variant is not present in population databases (gnomAD no frequency). This sequence change creates a premature translational stop signal (p.Val1235Cysfs*35) in the FLNC gene. It is expected to result in an absent or disrupted protein product. Loss-of-function variants in FLNC are known to be pathogenic (PMID: 27908349).

Literature cited by the submitters: PubMed 27908349.